The following is an entry in ClinVar:

ClinVar aggregate classification (germline): Likely benign (1 of 4 stars; one submission).

gnomAD v4.1: 4 of 1,614,066 alleles (0.00025%); highest among the groups gnomAD compares: East Asian, 0.0045%; no homozygotes.

Submission:

CeGaT Center for Human Genetics Tuebingen
Classification: Likely benign. Last evaluated: 2024-04-01. Review status: criteria provided, single submitter. Criteria: CeGaT Center For Human Genetics Tuebingen Variant Classification Criteria Version 2. Collection method: clinical testing. Allele origin: germline. Affected: yes. Observed: 1 variant allele.
Comment: EP300: BP4, BP7

NM_001429.4(EP300):c.5550C>A (p.Pro1850=)

Gene: EP300 (EP300 lysine acetyltransferase; plus strand). Cytogenetic location: 22q13.2.
Variant type: single nucleotide variant.
Coding change: c.5550C>A on transcript NM_001429.4 (MANE Select); coding-DNA position 5550, C replaced by A.
Protein change: p.Pro1850=; no amino-acid change (proline 1850 retained).
Molecular consequence: synonymous variant.
Genome position (GRCh38, 1-based): chr22:41,177,261, C>A. VCF-style: chr22-41177261-C-A. GRCh37 (hg19) VCF-style: chr22-41573265-C-A.
Other names: c.5472C>A, p.Pro1824= (NM_001362843.2).
Identifiers: ClinVar variation 3234455 (VCV003234455.20), dbSNP rs745528143, ClinGen allele CA10253650.